The following is an entry in ClinVar:

ClinVar aggregate classification (germline): Uncertain significance. Review status: criteria provided, multiple submitters, no conflicts (2 of 4 stars). 3 submissions from 3 submitters: Uncertain significance (3). Last evaluated 2025-05-21.

Conditions:
Inborn genetic diseases. Identifiers: MedGen C0950123, MeSH D030342.
RFT1-congenital disorder of glycosylation (CDG1N). Also called: CDG In; Congenital disorder of glycosylation type In; RFT1-CDG. Identifiers: Orphanet 244310, MedGen C2677590, MONDO:0012783, OMIM 612015.

Allele frequency attached by ClinVar (database versions not stated): TOPMed 0.00001; gnomAD 0.00003; 1000 Genomes Project 30x 0.00016; 1000 Genomes Project 0.00020; ExAC 0.00026.
gnomAD v4.1: 122 of 1,612,512 alleles (0.0076%); highest among the groups gnomAD compares: Middle Eastern, 0.13%; no homozygotes.

Submissions (3):

Ambry Genetics
Classification: Uncertain significance for Inborn genetic diseases. Last evaluated: 2025-05-21. Review status: criteria provided, single submitter. Criteria: Ambry Variant Classification Scheme 2023. Collection method: clinical testing. Allele origin: germline.

Blueprint Genetics
Classification: Uncertain significance. Last evaluated: 2024-02-26. Review status: criteria provided, single submitter. Criteria: ACMG Guidelines, 2015. Collection method: clinical testing. Allele origin: germline.

Labcorp Genetics (formerly Invitae), Labcorp
Classification: Uncertain significance for RFT1-congenital disorder of glycosylation. Last evaluated: 2022-08-16. Review status: criteria provided, single submitter. Criteria: Invitae Variant Classification Sherloc (09022015). Collection method: clinical testing. Allele origin: germline.
Comment: This sequence change replaces isoleucine, which is neutral and non-polar, with valine, which is neutral and non-polar, at codon 450 of the RFT1 protein (p.Ile450Val). This variant is present in population databases (rs530994903, gnomAD 0.1%). This variant has not been reported in the literature in individuals affected with RFT1-related conditions. Algorithms developed to predict the effect of missense changes on protein structure and function are either unavailable or do not agree on the potential impact of this missense change (SIFT: "Tolerated"; PolyPhen-2: "Probably Damaging"; Align-GVGD: "Class C15"). In summary, the available evidence is currently insufficient to determine the role of this variant in disease. Therefore, it has been classified as a Variant of Uncertain Significance.

NM_052859.4(RFT1):c.1348A>G (p.Ile450Val)

Gene: RFT1 (RFT1 glycolipid translocator homolog; minus strand). Cytogenetic location: 3p21.1.
Variant type: single nucleotide variant.
Coding change: c.1348A>G on transcript NM_052859.4 (MANE Select); coding-DNA position 1348, A replaced by G.
Protein change: p.Ile450Val; replaces isoleucine 450 with valine.
Molecular consequence: missense variant.
Genome position (GRCh38, 1-based): chr3:53,092,479, T>C on the plus strand (A>G on the coding strand, the complement: RFT1 is on the minus strand). VCF-style: chr3-53092479-T-C. GRCh37 (hg19) VCF-style: chr3-53126495-T-C.
Other names: c.1348A>G (NM_052859.3); short protein forms I450V.
Identifiers: ClinVar variation 2187089 (VCV002187089.3), dbSNP rs530994903, ClinGen allele CA2451174.